The following is an entry in ClinVar:

ClinVar aggregate classification (germline): Likely benign. Review status: criteria provided, multiple submitters, no conflicts (2 of 4 stars). 3 submissions from 3 submitters: Likely benign (2). 1 of the submissions does not count toward it. Last evaluated 2025-10-02.

Conditions:
Landau-Kleffner syndrome (FESD). Also called: EPILEPSY, FOCAL, WITH SPEECH DISORDER AND WITH OR WITHOUT MENTAL RETARDATION; APHASIA, ACQUIRED, WITH EPILEPSY. Identifiers: Orphanet 1945, Orphanet 725, Orphanet 98818, MedGen C0282512, MONDO:0009509, OMIM 245570.
GRIN2A-related complex neurodevelopmental disorder. Also called: GRIN2A-related disorder; GRIN2A-related condition. Identifiers: MedGen CN379781, MONDO:1060139.

Allele frequency attached by ClinVar (database versions not stated): TOPMed 0.00001.
gnomAD v4.1: 21 of 1,613,776 alleles (0.0013%); highest among the groups gnomAD compares: East Asian, 0.0022%; no homozygotes.

Submissions (3):

Labcorp Genetics (formerly Invitae), Labcorp
Classification: Likely benign for Landau-Kleffner syndrome. Last evaluated: 2025-10-02. Review status: criteria provided, single submitter. Criteria: Invitae Variant Classification Sherloc (09022015). Collection method: clinical testing. Allele origin: germline.

GeneDx
Classification: Likely benign. Last evaluated: 2016-02-08. Review status: criteria provided, single submitter. Criteria: GeneDx Variant Classification (06012015). Collection method: clinical testing. Allele origin: germline. Affected: yes.
Comment: This variant is considered likely benign or benign based on one or more of the following criteria: it is a conservative change, it occurs at a poorly conserved position in the protein, it is predicted to be benign by multiple in silico algorithms, and/or has population frequency not consistent with disease.

PreventionGenetics, part of Exact Sciences
Classification: Likely benign for GRIN2A-related condition. Last evaluated: 2019-06-10. Review status: no assertion criteria provided. Collection method: clinical testing. Allele origin: germline. Not counted in ClinVar's aggregate classification.
Comment: This variant is classified as likely benign based on ACMG/AMP sequence variant interpretation guidelines (Richards et al. 2015 PMID: 25741868, with internal and published modifications).

NM_001134407.3(GRIN2A):c.4011G>A (p.Ser1337=)

Gene: GRIN2A (glutamate ionotropic receptor NMDA type subunit 2A; minus strand). Cytogenetic location: 16p13.2.
Variant type: single nucleotide variant.
Coding change: c.4011G>A on transcript NM_001134407.3 (MANE Select); coding-DNA position 4011, G replaced by A.
Protein change: p.Ser1337=; no amino-acid change (serine 1337 retained).
Molecular consequence: synonymous variant. On other transcripts: intron variant (1).
Genome position (GRCh38, 1-based): chr16:9,763,533, C>T on the plus strand (G>A on the coding strand, the complement: GRIN2A is on the minus strand). VCF-style: chr16-9763533-C-T. GRCh37 (hg19) VCF-style: chr16-9857390-C-T.
Other names: c.4011G>A, p.Ser1337= (NM_000833.5); c.3773-105G>A (NM_001134408.2); c.4011G>A (NM_000833.4).
Identifiers: ClinVar variation 383332 (VCV000383332.11), dbSNP rs748586367, ClinGen allele CA16608345.